The following is an entry in ClinVar:

ClinVar aggregate classification (germline): Uncertain significance. Review status: criteria provided, multiple submitters, no conflicts (2 of 4 stars). 4 submissions from 4 submitters: Uncertain significance (4). Last evaluated 2025-11-26.

Conditions:
Alagille syndrome due to a NOTCH2 point mutation. Also called: Alagille syndrome 2. Identifiers: Orphanet 261629, Orphanet 52, MedGen C1857761, MONDO:0012439, OMIM 610205.
Hajdu-Cheney syndrome (HJCYS). Also called: SERPENTINE FIBULA-POLYCYSTIC KIDNEY SYNDROME; Acroosteolysis dominant type; ACROOSTEOLYSIS WITH OSTEOPOROSIS AND CHANGES IN SKULL AND MANDIBLE. Identifiers: Orphanet 955, MedGen C0917715, MONDO:0007057, OMIM 102500.
NOTCH2-related disorder. Also called: NOTCH2-related condition.

Allele frequency attached by ClinVar (database versions not stated): TOPMed below 0.00001; gnomAD 0.00001; gnomAD exomes 0.00001; ExAC 0.00002.
gnomAD v4.1: 21 of 1,614,036 alleles (0.0013%); highest among the groups gnomAD compares: South Asian, 0.0055%; no homozygotes.

Submissions (4):

Labcorp Genetics (formerly Invitae), Labcorp
Classification: Uncertain significance for Hajdu-Cheney syndrome. Last evaluated: 2025-11-26. Review status: criteria provided, single submitter. Criteria: Invitae Variant Classification Sherloc (09022015). Collection method: clinical testing. Allele origin: germline.
Comment: This sequence change replaces arginine, which is basic and polar, with histidine, which is basic and polar, at codon 1578 of the NOTCH2 protein (p.Arg1578His). This variant is present in population databases (rs751299682, gnomAD 0.006%). This variant has not been reported in the literature in individuals affected with NOTCH2-related conditions. ClinVar contains an entry for this variant (Variation ID: 598586). An algorithm developed to predict the effect of missense changes on protein structure and function outputs the following: PolyPhen-2: "Probably Damaging". The histidine amino acid residue is found in multiple mammalian species, which suggests that this missense change does not adversely affect protein function. In summary, the available evidence is currently insufficient to determine the role of this variant in disease. Therefore, it has been classified as a Variant of Uncertain Significance.

PreventionGenetics, part of Exact Sciences
Classification: Uncertain significance for NOTCH2-related condition. Last evaluated: 2025-06-25. Review status: criteria provided, single submitter. Criteria: ACMG Guidelines, 2015. Collection method: clinical testing. Allele origin: germline.
Comment: The NOTCH2 c.4733G>A variant is predicted to result in the amino acid substitution p.Arg1578His. To our knowledge, this variant has not been reported in the literature. This variant is reported in 0.0065% of alleles in individuals of South Asian descent in gnomAD. At this time, the clinical significance of this variant is uncertain due to the absence of conclusive functional and genetic evidence.

Fulgent Genetics
Classification: Uncertain significance for Hajdu-Cheney syndrome; Alagille syndrome due to a NOTCH2 point mutation. Last evaluated: 2022-03-05. Review status: criteria provided, single submitter. Criteria: ACMG Guidelines, 2015. Collection method: clinical testing. Allele origin: unknown.

Eurofins Ntd Llc (ga)
Classification: Uncertain significance. Last evaluated: 2018-08-29. Review status: criteria provided, single submitter. Criteria: EGL ClinVar v180209 classification definitions. Collection method: clinical testing. Allele origin: germline. Observed: 1 variant allele, 1 heterozygote.

NM_024408.4(NOTCH2):c.4733G>A (p.Arg1578His)

Gene: NOTCH2 (notch receptor 2; minus strand). Cytogenetic location: 1p12.
Variant type: single nucleotide variant.
Coding change: c.4733G>A on transcript NM_024408.4 (MANE Select); coding-DNA position 4733, G replaced by A.
Protein change: p.Arg1578His; replaces arginine 1578 with histidine.
Molecular consequence: missense variant.
Genome position (GRCh38, 1-based): chr1:119,923,763, C>T on the plus strand (G>A on the coding strand, the complement: NOTCH2 is on the minus strand). VCF-style: chr1-119923763-C-T. GRCh37 (hg19) VCF-style: chr1-120466386-C-T.
Other names: c.4733G>A (NM_024408.3); short protein forms R1578H.
Identifiers: ClinVar variation 598586 (VCV000598586.12), dbSNP rs751299682, ClinGen allele CA1039811.